The following is an entry in ClinVar:

NM_002408.4(MGAT2):c.76A>G (p.Ser26Gly)

Gene: MGAT2 (alpha-1,6-mannosyl-glycoprotein 2-beta-N-acetylglucosaminyltransferase; plus strand). Cytogenetic location: 14q21.3.
Variant type: single nucleotide variant.
Coding change: c.76A>G on transcript NM_002408.4 (MANE Select); coding-DNA position 76, A replaced by G.
Protein change: p.Ser26Gly; replaces serine 26 with glycine.
Molecular consequence: missense variant.
Genome position (GRCh38, 1-based): chr14:49,621,344, A>G. VCF-style: chr14-49621344-A-G. GRCh37 (hg19) VCF-style: chr14-50088062-A-G.
Other names: c.76A>G (NM_002408.3); short protein forms S26G.
Identifiers: ClinVar variation 2637551 (VCV002637551.3), dbSNP rs2502741377, ClinGen allele CA389617226.

ClinVar aggregate classification (germline): Uncertain significance. Review status: criteria provided, multiple submitters, no conflicts (2 of 4 stars). 2 submissions from 2 submitters: Uncertain significance (2). Last evaluated 2026-03-21.

Submissions (2):

GeneDx
Classification: Uncertain significance. Last evaluated: 2026-03-21. Review status: criteria provided, single submitter. Criteria: GeneDx Variant Classification Process June 2021. Collection method: clinical testing. Allele origin: germline.
Comment: Not observed at significant frequency in large population cohorts (gnomAD); In silico analysis suggests that this missense variant does not alter protein structure/function; Has not been previously published as pathogenic or benign to our knowledge

Women's Health and Genetics/Laboratory Corporation of America, LabCorp
Classification: Uncertain significance. Last evaluated: 2023-10-30. Review status: criteria provided, single submitter. Criteria: LabCorp Variant Classification Summary - May 2015. Collection method: clinical testing. Allele origin: germline.
Comment: Variant summary: MGAT2 c.76A>G (p.Ser26Gly) results in a non-conservative amino acid change in the encoded protein sequence. Three of five in-silico tools predict a benign effect of the variant on protein function. The variant was absent in 244234 control chromosomes. The available data on variant occurrences in the general population are insufficient to allow any conclusion about variant significance. To our knowledge, no occurrence of c.76A>G in individuals affected with MGAT2-Congenital Disorder Of Glycosylation and no experimental evidence demonstrating its impact on protein function have been reported. No submitters have cited clinical-significance assessments for this variant to ClinVar after 2014. Based on the evidence outlined above, the variant was classified as uncertain significance.